The following is an entry in ClinVar:

NM_001375524.1(TRRAP):c.10295G>T (p.Gly3432Val)

Gene: TRRAP (transformation/transcription domain associated protein; plus strand). Cytogenetic location: 7q22.1.
Variant type: single nucleotide variant.
Coding change: c.10295G>T on transcript NM_001375524.1 (MANE Select); coding-DNA position 10295, G replaced by T.
Protein change: p.Gly3432Val; replaces glycine 3432 with valine.
Molecular consequence: missense variant.
Genome position (GRCh38, 1-based): chr7:98,994,834, G>T. VCF-style: chr7-98994834-G-T. GRCh37 (hg19) VCF-style: chr7-98592457-G-T.
Other names: c.10253G>T, p.Gly3418Val (NM_001244580.2); c.10166G>T, p.Gly3389Val (NM_003496.4); short protein forms G3432V, G3389V, G3418V.
Identifiers: ClinVar variation 3642073 (VCV003642073.2).

ClinVar aggregate classification (germline): Uncertain significance (1 of 4 stars; one submission).

Submission:

Labcorp Genetics (formerly Invitae), Labcorp
Classification: Uncertain significance. Last evaluated: 2024-07-17. Review status: criteria provided, single submitter. Criteria: Invitae Variant Classification Sherloc (09022015). Collection method: clinical testing. Allele origin: germline.
Comment: This sequence change replaces glycine, which is neutral and non-polar, with valine, which is neutral and non-polar, at codon 3389 of the TRRAP protein (p.Gly3389Val). This variant is not present in population databases (gnomAD no frequency). This variant has not been reported in the literature in individuals affected with TRRAP-related conditions. Advanced modeling of protein sequence and biophysical properties (such as structural, functional, and spatial information, amino acid conservation, physicochemical variation, residue mobility, and thermodynamic stability) performed at Invitae indicates that this missense variant is not expected to disrupt TRRAP protein function with a negative predictive value of 80%. In summary, the available evidence is currently insufficient to determine the role of this variant in disease. Therefore, it has been classified as a Variant of Uncertain Significance.